The following continues an entry in ClinVar:

NM_001018005.2(TPM1):c.850A>G (p.Ile284Val)

Gene: TPM1. ClinVar aggregate classification (germline): Conflicting classifications of pathogenicity. Likely pathogenic (1); Uncertain significance (11).

Submissions 8 to 16 of 16:

Ambry Genetics
Classification: Uncertain significance for Cardiovascular phenotype. Last evaluated: 2023-04-26. Review status: criteria provided, single submitter. Criteria: Ambry General Variant Classification Scheme_2022. Collection method: clinical testing. Allele origin: germline.
Comment: The p.I284V variant (also known as c.850A>G), located in coding exon 9 of the TPM1 gene, results from an A to G substitution at nucleotide position 850. The isoleucine at codon 284 is replaced by valine, an amino acid with highly similar properties. This alteration has been detected in patients reported to have hypertrophic cardiomyopathy, though in some cases clinical details were limited, and patient reports may overlap (Olivotto I et al. Mayo Clin Proc. 2008;83:630-8; Predmore JM et al. Circulation. 2010;121:997-1004; Witjas-Paalberends ER et al. Cardiovasc Res. 2013;99:432-41; Helms AS et al. Circ Cardiovasc Genet. 2014;7:434-43; Ho CY et al. Circulation, 2018 Oct;138:1387-1398). Functional studies have suggested this amino acid substitution may potentially impact protein function and myofibril force generation; however, the clinical relevance of this result is unclear (Sequeira V et al. Circ Res. 2013;112:1491-505; Witjas-Paalberends ER et al. Cardiovasc Res. 2013;99:432-41). This amino acid position is highly conserved in available vertebrate species. In addition, the in silico prediction for this alteration is inconclusive. Since supporting evidence is limited at this time, the clinical significance of this alteration remains unclear.

CHEO Genetics Diagnostic Laboratory, Children's Hospital of Eastern Ontario
Classification: Uncertain significance for Cardiomyopathy. Last evaluated: 2022-03-14. Review status: criteria provided, single submitter. Criteria: ACMG Guidelines, 2015. Collection method: clinical testing. Allele origin: germline.

Stanford Center for Inherited Cardiovascular Disease, Stanford University
Classification: Uncertain significance. Last evaluated: 2015-07-08. Review status: criteria provided, single submitter. Criteria: ACMG Guidelines, 2015. Collection method: provider interpretation. Allele origin: germline.

Laboratory for Molecular Medicine, Mass General Brigham Personalized Medicine
Classification: Uncertain significance. Last evaluated: 2014-12-09. Review status: criteria provided, single submitter. Criteria: LMM Criteria. Collection method: clinical testing. Allele origin: germline. Observed: 3 variant alleles.
Comment: proposed classification - variant undergoing re-assessment, contact laboratory

Genetics and Genomics Program, Sidra Medicine
Classification: Uncertain significance for Primary dilated cardiomyopathy. Review status: criteria provided, single submitter. Criteria: ACMG Guidelines, 2015. Collection method: research. Allele origin: unknown. Affected: yes. Observed: 1 variant allele.

Leiden Muscular Dystrophy (TPM1)
No classification provided. Last evaluated: 2012-04-15. Review status: no classification provided. Collection method: curation. Allele origin: germline. Not counted in ClinVar's aggregate classification.

Clinical Genetics DNA and cytogenetics Diagnostics Lab, Erasmus MC, Erasmus Medical Center
Classification: Uncertain significance. Review status: no assertion criteria provided. Collection method: clinical testing. Allele origin: germline. Affected: yes. Study: VKGL Data-share Consensus. Not counted in ClinVar's aggregate classification.

Clinical Genetics, Academic Medical Center
Classification: Uncertain significance. Review status: no assertion criteria provided. Collection method: clinical testing. Allele origin: germline. Affected: yes. Study: VKGL Data-share Consensus. Not counted in ClinVar's aggregate classification.

Dr. Peter K. Rogan Lab, Western University
No classification provided (evidence only). Condition: Uterine corpus endometrial carcinoma. Review status: no classification provided. Collection method: in vitro. Allele origin: not applicable. Functional consequence: retained intron. Not counted in ClinVar's aggregate classification.

Literature cited by the submitters: PubMed 18533079 (cited by 6 submitters); PubMed 23674513 (cited by 6 submitters); PubMed 25031304 (cited by 6 submitters); PubMed 27532257 (cited by 4 submitters); PubMed 30847666 (cited by 5 submitters); PubMed 30240712 (cited by 4 submitters); PubMed 20159828 (cited by 4 submitters); PubMed 31513939 (cited by Color Diagnostics, LLC DBA Color Health); PubMed 30297972 (cited by Women's Health and Genetics/Laboratory Corporation of America, LabCorp and Ambry Genetics); PubMed 29447731 (cited by Women's Health and Genetics/Laboratory Corporation of America, LabCorp); PubMed 34137518 (cited by Women's Health and Genetics/Laboratory Corporation of America, LabCorp); PubMed 23508784 (cited by Ambry Genetics); PubMed 25611685 (cited by Ambry Genetics).